The following is an entry in ClinVar:

ClinVar aggregate classification (germline): Pathogenic. Review status: criteria provided, multiple submitters, no conflicts (2 of 4 stars). 3 submissions from 3 submitters: Pathogenic (3). Last evaluated 2025-06-04.

Conditions:
DICER1-related tumor predisposition. Also called: DICER1-related pleuropulmonary blastoma cancer predisposition syndrome; DICER1 syndrome. Identifiers: Orphanet 284343, MedGen C3839822, MONDO:0100216.
Hereditary cancer-predisposing syndrome. Also called: Tumor predisposition; Hereditary neoplastic syndrome; Neoplastic Syndromes, Hereditary; Hereditary Cancer Syndrome. Identifiers: Orphanet 140162, MedGen C0027672, MeSH D009386, MONDO:0015356.

Submissions (3):

Ambry Genetics
Classification: Pathogenic for Hereditary cancer-predisposing syndrome. Last evaluated: 2025-06-04. Review status: criteria provided, single submitter. Criteria: Ambry Variant Classification Scheme 2023. Collection method: clinical testing. Allele origin: germline.
Comment: The c.3482delC pathogenic mutation, located in coding exon 20 of the DICER1 gene, results from a deletion of one nucleotide at nucleotide position 3482, causing a translational frameshift with a predicted alternate stop codon (p.P1161Lfs*31). This variant was reported in individual(s) with features consistent with DICER1-related tumor predisposition syndrome (Seki M et al. Cancer Res. 2014 May;74:2742-9). This variant is considered to be rare based on population cohorts in the Genome Aggregation Database (gnomAD). This alteration is expected to result in loss of function by premature protein truncation or nonsense-mediated mRNA decay. As such, this alteration is interpreted as a disease-causing mutation.

Labcorp Genetics (formerly Invitae), Labcorp
Classification: Pathogenic for DICER1-related tumor predisposition. Last evaluated: 2022-08-16. Review status: criteria provided, single submitter. Criteria: Invitae Variant Classification Sherloc (09022015). Collection method: clinical testing. Allele origin: germline.
Comment: This premature translational stop signal has been observed in individual(s) with pleuropulmonary blastoma (PMID: 24675358). ClinVar contains an entry for this variant (Variation ID: 932983). For these reasons, this variant has been classified as Pathogenic. This sequence change creates a premature translational stop signal (p.Pro1161Leufs*31) in the DICER1 gene. It is expected to result in an absent or disrupted protein product. Loss-of-function variants in DICER1 are known to be pathogenic (PMID: 19556464, 21266384). This variant is not present in population databases (gnomAD no frequency).

Foulkes Cancer Genetics LDI, Lady Davis Institute for Medical Research
Classification: Pathogenic for Pleuropulmonary blastoma. Last evaluated: 2019-07-01. Review status: criteria provided, single submitter. Criteria: ACMG Guidelines, 2015. Collection method: curation. Allele origin: germline. Affected: yes. Observed: 1 variant allele.
Comment: ACMG criteria met: PVS1, PM2, PP4

Literature cited by the submitters: PubMed 24675358 (cited by 3 submitters); PubMed 19556464 (cited by Labcorp Genetics (formerly Invitae), Labcorp); PubMed 21266384 (cited by Labcorp Genetics (formerly Invitae), Labcorp).

NM_177438.3(DICER1):c.3482del (p.Pro1161fs)

Gene: DICER1 (dicer 1, ribonuclease III; minus strand). Cytogenetic location: 14q32.13.
Variant type: Deletion.
Coding change: c.3482del on transcript NM_177438.3 (MANE Select); coding-DNA position 3482, one base deleted (C; older notation c.3482delC).
Protein change: p.Pro1161fs; shifts the reading frame from proline 1161.
Molecular consequence: frameshift variant.
Genome position (GRCh38, 1-based): chr14:95,103,914, G deleted on the plus strand (C on the coding strand, the reverse complement: DICER1 is on the minus strand); the first of 4 consecutive G bases (chr14:95,103,914-95,103,917); deleting any one gives the same sequence. VCF-style (leftmost placement, unchanged base first): chr14-95103913-AG-A. GRCh37 (hg19) VCF-style: chr14-95570250-AG-A.
Other names: c.3482delC (NM_177438.2); c.3482del, p.Pro1161fs (NM_001195573.1, NM_001271282.3, NM_001291628.2 and 1 more transcripts); short protein forms P1161fs.
Identifiers: ClinVar variation 932983 (VCV000932983.9), dbSNP rs1891157230, ClinGen allele CA1139663717.